The following is an entry in ClinVar:

ClinVar aggregate classification (germline): Uncertain significance (1 of 4 stars; one submission).

Allele frequency attached by ClinVar (database versions not stated): ExAC 0.00001; gnomAD exomes 0.00002 and 0.00005; gnomAD 0.00003; TOPMed 0.00003; 1000 Genomes Project 30x 0.00016.
gnomAD v4.1: 79 of 1,599,666 alleles (0.0049%); highest among the groups gnomAD compares: Non-Finnish European, 0.0066%; no homozygotes.

Submission:

Labcorp Genetics (formerly Invitae), Labcorp
Classification: Uncertain significance. Last evaluated: 2025-06-09. Review status: criteria provided, single submitter. Criteria: Invitae Variant Classification Sherloc (09022015). Collection method: clinical testing. Allele origin: germline.
Comment: This sequence change replaces lysine, which is basic and polar, with threonine, which is neutral and polar, at codon 1396 of the ERBIN protein (p.Lys1396Thr). This variant is present in population databases (rs766226774, gnomAD 0.004%). This variant has not been reported in the literature in individuals affected with ERBIN-related conditions. ClinVar contains an entry for this variant (Variation ID: 1417371). An algorithm developed to predict the effect of missense changes on protein structure and function (PolyPhen-2) suggests that this variant is likely to be disruptive. In summary, the available evidence is currently insufficient to determine the role of this variant in disease. Therefore, it has been classified as a Variant of Uncertain Significance.

NM_001253697.2(ERBIN):c.4187A>C (p.Lys1396Thr)

Gene: ERBIN (erbb2 interacting protein; plus strand). Cytogenetic location: 5q12.3.
Variant type: single nucleotide variant.
Coding change: c.4187A>C on transcript NM_001253697.2 (MANE Select); coding-DNA position 4187, A replaced by C.
Protein change: p.Lys1396Thr; replaces lysine 1396 with threonine.
Molecular consequence: missense variant.
Genome position (GRCh38, 1-based): chr5:66,078,478, A>C. VCF-style: chr5-66078478-A-C. GRCh37 (hg19) VCF-style: chr5-65374306-A-C.
Other names: c.3857A>C, p.Lys1286Thr (NM_001006600.3); c.3989A>C, p.Lys1330Thr (NM_001253698.2); c.4208A>C, p.Lys1403Thr (NM_001253699.2); c.4052A>C, p.Lys1351Thr (NM_001253701.2); c.4064A>C, p.Lys1355Thr (NM_018695.4); short protein forms K1330T, K1351T, K1286T, K1355T, K1396T, K1403T.
Identifiers: ClinVar variation 1417371 (VCV001417371.8), dbSNP rs766226774, ClinGen allele CA3286845.
Genomic context (GRCh38, chr5:66,078,478, plus strand): 5'-TCTAGGCTAATGGCTACAGTTTTATAAATATTGAACATGGACAAGCAGTGTCCTTGCTAA[A>C]AACTTTCCAGAATACAGTTGAACTCATCATTGTACGAGAAGTTTCCTCATAAGCACTGTG-3'
Protein context (NP_001240626.1, residues 1386-1406): IEHGQAVSLL[Lys1396Thr]TFQNTVELII